The following is an entry in ClinVar:

ClinVar aggregate classification (germline): Pathogenic/Likely pathogenic. Review status: criteria provided, multiple submitters, no conflicts (2 of 4 stars). 5 submissions from 5 submitters: Pathogenic (1); Likely pathogenic (4). Last evaluated 2025-11-18.

Conditions:
Hereditary cancer-predisposing syndrome. Also called: Neoplastic Syndromes, Hereditary; Hereditary Cancer Syndrome; Tumor predisposition; Hereditary neoplastic syndrome. Identifiers: Orphanet 140162, MedGen C0027672, MeSH D009386, MONDO:0015356.
Familial cancer of breast. Also called: Hereditary breast cancer; hereditary breast carcinoma; BREAST CANCER, FAMILIAL. Identifiers: Orphanet 227535, MedGen C0346153, MONDO:0016419, OMIM 114480. Disease mechanism: loss of function.
Ataxia-telangiectasia syndrome (AT). Also called: Cerebello-oculocutaneous telangiectasia; Immunodeficiency with ataxia telangiectasia; Ataxia-telangiectasia, complementation group D; AT, COMPLEMENTATION GROUP C; Ataxia-telangiectasia, complementation group E; Ataxia-telangiectasia. Identifiers: Orphanet 100, MedGen C0004135, MONDO:0008840, OMIM 208900.

Allele frequency attached by ClinVar (database versions not stated): gnomAD exomes below 0.00001.
gnomAD v4.1: 1 of 1,613,934 alleles (0.000062%); highest among the groups gnomAD compares: Non-Finnish European, 0.000085%; no homozygotes.

Submissions (5):

Labcorp Genetics (formerly Invitae), Labcorp
Classification: Pathogenic for Ataxia-telangiectasia syndrome. Last evaluated: 2025-11-18. Review status: criteria provided, single submitter. Criteria: Invitae Variant Classification Sherloc (09022015). Collection method: clinical testing. Allele origin: germline.
Comment: This sequence change affects a donor splice site in intron 20 of the ATM gene. RNA analysis indicates that disruption of this splice site induces altered splicing and may result in an absent or altered protein product. This variant is not present in population databases (gnomAD no frequency). Disruption of this splice site has been observed in individual(s) with ataxia-telangiectasia and/or prostate and breast cancer (PMID: 32853339, 35220195, 35260754). ClinVar contains an entry for this variant (Variation ID: 220036). Studies have shown that disruption of this splice site results in activation of cryptic splice site, and produces a non-functional protein and/or introduces a premature termination codon (internal data). For these reasons, this variant has been classified as Pathogenic.

Ambry Genetics
Classification: Likely pathogenic for Hereditary cancer-predisposing syndrome. Last evaluated: 2025-07-11. Review status: criteria provided, single submitter. Criteria: Ambry Variant Classification Scheme 2023. Collection method: clinical testing. Allele origin: germline.
Comment: The c.3077+1G>A intronic variant results from a G to A substitution one nucleotide after coding exon 19 of the ATM gene. This nucleotide position is highly conserved in available vertebrate species. In silico splice site analysis predicts that this alteration will weaken the native splice donor site and will result in the creation or strengthening of a novel splice donor site. RNA studies have demonstrated that this alteration results in abnormal splicing in the set of samples tested (Ambry internal data). Alterations that disrupt the canonical splice site are expected to cause aberrant splicing, resulting in an abnormal protein or a transcript that is subject to nonsense-mediated mRNA decay. As such, this alteration is classified as likely pathogenic.

Myriad Genetics, Inc.
Classification: Likely pathogenic for Familial cancer of breast. Last evaluated: 2024-01-18. Review status: criteria provided, single submitter. Criteria: Myriad Autosomal Dominant, Autosomal Recessive and X-Linked Classification Criteria (2023). Collection method: clinical testing. Allele origin: unknown.
Comment: This variant is considered likely pathogenic. This variant occurs within a consensus splice junction and is predicted to result in abnormal mRNA splicing of either an out-of-frame exon or an in-frame exon necessary for protein stability and/or normal function.

Color Diagnostics, LLC DBA Color Health
Classification: Likely pathogenic for Hereditary cancer-predisposing syndrome. Last evaluated: 2022-02-02. Review status: criteria provided, single submitter. Criteria: ACMG Guidelines, 2015. Collection method: clinical testing. Allele origin: germline.
Comment: This variant causes a G to A nucleotide substitution at the +1 position of intron 20 of the ATM gene. Splice site prediction tools predict that this variant may have a significant impact on RNA splicing. Although this prediction has not been confirmed in published RNA studies, this variant is expected to result in an absent or disrupted protein product. This variant has not been identified in the general population by the Genome Aggregation Database (gnomAD). Loss of ATM function is a known mechanism of disease. Based on the available evidence, this variant is classified as Likely Pathogenic.

CeGaT Center for Human Genetics Tuebingen
Classification: Likely pathogenic. Last evaluated: 2021-03-01. Review status: criteria provided, single submitter. Criteria: CeGaT Center For Human Genetics Tuebingen Variant Classification Criteria Version 2. Collection method: clinical testing. Allele origin: germline. Affected: yes. Observed: 1 variant allele.

Literature cited by the submitters: PubMed 32853339 (cited by Labcorp Genetics (formerly Invitae), Labcorp); PubMed 35220195 (cited by Labcorp Genetics (formerly Invitae), Labcorp); PubMed 35260754 (cited by Labcorp Genetics (formerly Invitae), Labcorp).

NM_000051.4(ATM):c.3077+1G>A

Gene: ATM (ATM serine/threonine kinase; plus strand). Cytogenetic location: 11q22.3.
Variant type: single nucleotide variant.
Coding change: c.3077+1G>A on transcript NM_000051.4 (MANE Select); the canonical splice donor site of the intron after coding-DNA position 3077, G replaced by A.
Molecular consequence: splice donor variant.
Genome position (GRCh38, 1-based): chr11:108,271,407, G>A. VCF-style: chr11-108271407-G-A. GRCh37 (hg19) VCF-style: chr11-108142134-G-A.
Other names: c.3077+1G>A (NM_001351834.2).
Identifiers: ClinVar variation 220036 (VCV000220036.52), dbSNP rs192810283, ClinGen allele CA350862.